The following is an entry in ClinVar:

NM_020812.4(DOCK6):c.3364G>A (p.Glu1122Lys)

Gene: DOCK6 (dedicator of cytokinesis 6; minus strand). Cytogenetic location: 19p13.2.
Variant type: single nucleotide variant.
Coding change: c.3364G>A on transcript NM_020812.4 (MANE Select); coding-DNA position 3364, G replaced by A.
Protein change: p.Glu1122Lys; replaces glutamic acid 1122 with lysine.
Molecular consequence: missense variant.
Genome position (GRCh38, 1-based): chr19:11,222,125, C>T on the plus strand (G>A on the coding strand, the complement: DOCK6 is on the minus strand). VCF-style: chr19-11222125-C-T. GRCh37 (hg19) VCF-style: chr19-11332801-C-T.
Other names: c.3469G>A, p.Glu1157Lys (NM_001367830.1); c.3364G>A (NM_020812.2); short protein forms E1157K, E1122K.
Identifiers: ClinVar variation 1494381 (VCV001494381.7), dbSNP rs765925509, ClinGen allele CA9207281.

ClinVar aggregate classification (germline): Uncertain significance. Review status: criteria provided, multiple submitters, no conflicts (2 of 4 stars). 2 submissions from 2 submitters: Uncertain significance (2). Last evaluated 2025-11-03.

Conditions:
Inborn genetic diseases. Identifiers: MedGen C0950123, MeSH D030342.

Allele frequency attached by ClinVar (database versions not stated): gnomAD exomes 0.00002; ExAC 0.00004; gnomAD 0.00005; TOPMed 0.00005.

Submissions (2):

Labcorp Genetics (formerly Invitae), Labcorp
Classification: Uncertain significance. Last evaluated: 2025-11-03. Review status: criteria provided, single submitter. Criteria: Invitae Variant Classification Sherloc (09022015). Collection method: clinical testing. Allele origin: germline.
Comment: This sequence change replaces glutamic acid, which is acidic and polar, with lysine, which is basic and polar, at codon 1122 of the DOCK6 protein (p.Glu1122Lys). This variant is present in population databases (rs765925509, gnomAD 0.02%). This variant has not been reported in the literature in individuals affected with DOCK6-related conditions. ClinVar contains an entry for this variant (Variation ID: 1494381). Invitae Evidence Modeling of protein sequence and biophysical properties (such as structural, functional, and spatial information, amino acid conservation, physicochemical variation, residue mobility, and thermodynamic stability) indicates that this missense variant is expected to disrupt DOCK6 protein function with a positive predictive value of 80%. In summary, the available evidence is currently insufficient to determine the role of this variant in disease. Therefore, it has been classified as a Variant of Uncertain Significance.

Ambry Genetics
Classification: Uncertain significance for Inborn genetic diseases. Last evaluated: 2025-02-21. Review status: criteria provided, single submitter. Criteria: Ambry Variant Classification Scheme 2023. Collection method: clinical testing. Allele origin: germline.